The following is an entry in ClinVar:

NM_000321.3(RB1):c.607+4A>G

Gene: RB1 (RB transcriptional corepressor 1; plus strand). Cytogenetic location: 13q14.2.
Variant type: single nucleotide variant.
Coding change: c.607+4A>G on transcript NM_000321.3 (MANE Select); 4 bases into the intron after coding-DNA position 607, A replaced by G.
Molecular consequence: intron variant.
Genome position (GRCh38, 1-based): chr13:48,349,027, A>G. VCF-style: chr13-48349027-A-G. GRCh37 (hg19) VCF-style: chr13-48923163-A-G.
Other names: c.607+4A>G (NM_001407165.1, NM_001407166.1).
Identifiers: ClinVar variation 3072604 (VCV003072604.1), dbSNP rs767382241, ClinGen allele CA038961.
Genomic context (GRCh38, chr13:48,349,027, plus strand): 5'-AAATAAATTCTGCATTGGTGCTAAAAGTTTCTTGGATCACATTTTTATTAGCTAAAGGTA[A>G]GTTCATTATATTTATTAAATGCTAATATTTCAAATGTAATAATTAAATTGGCATTCCTTT-3'

ClinVar aggregate classification (germline): Uncertain significance (1 of 4 stars; one submission).

Conditions:
Retinoblastoma (RB1). Also called: RETINOBLASTOMA, SOMATIC. Identifiers: Orphanet 790, MedGen C0035335, MeSH D012175, MONDO:0008380, OMIM 180200, HP:0009919. Disease mechanism: loss of function. Inheritance: Both sporadic and heritable forms are tested..

Allele frequency attached by ClinVar (database versions not stated): gnomAD exomes below 0.00001; ExAC 0.00002.
gnomAD v4.1: 2 of 1,592,542 alleles (0.00013%); highest among the groups gnomAD compares: Non-Finnish European, 0.00017%; no homozygotes.

Submission:

All of Us Research Program, National Institutes of Health
Classification: Uncertain significance for Retinoblastoma. Last evaluated: 2023-08-08. Review status: criteria provided, single submitter. Criteria: ACMG Guidelines, 2015. Collection method: clinical testing. Allele origin: germline. Inheritance: Autosomal dominant inheritance. Observed: 1 variant allele, 1 heterozygote.
Comment: This variant causes an A to G nucleotide substitution at the +4 position of intron 6 of the RB1 gene. To our knowledge, functional studies have not been reported for this variant. This variant has not been reported in individuals affected with RB1-related disorders in the literature. This variant has been identified in 2/245258 chromosomes in the general population by the Genome Aggregation Database (gnomAD). The available evidence is insufficient to determine the role of this variant in disease conclusively. Therefore, this variant is classified as a Variant of Uncertain Significance.

This study involves interpretation of variants in research participants for the purpose of population health screening. Participant phenotype was not available at the time of variant classification. Additional details can be found in publication PMID: 35346344, PMCID: PMC8962531